The following is an entry in ClinVar:

ClinVar aggregate classification (germline): Likely pathogenic (1 of 4 stars; one submission).

Conditions:
Vascular malformation. Also called: Vascular malformations. Identifiers: MedGen C0158570, MONDO:0024291.

Submission:

Clinical Genomics Laboratory, Washington University in St. Louis
Classification: Likely pathogenic for Vascular malformation. Last evaluated: 2024-08-21. Review status: criteria provided, single submitter. Criteria: Leon-Quintero et al. (Clin Genet. 2025). Collection method: clinical testing. Allele origin: somatic. Affected: yes.
Comment: An HRAS c.216_217insAACAGCGCCATGCGGGACCAGTACATG (p.Met72_Arg73insAsnSerAlaMetArgAspGlnTyrMet) variant was identified at an allelic fraction consistent with somatic origin. This specific variant has not been reported in the literature in patients with vascular malformations, but many other variants in the same region have been identified in patients with various types of vascular anomalies (Hou YCC et al., et al., PMID:36571464; Hong T et al., PMID: 30544177; Konczyk DJ et al., PMID: 31637524) and RASopathies (Eijkelenboom A et al., PMID: 31160609). The HRAS c.216_217insAACAGCGCCATGCGGGACCAGTACATG (p.Met72_Arg73insAsnSerAlaMetArg AspGlnTyrMet) variant is absent from the general population (gnomAD v.4.1.0), indicating it is not a common variant. It resides within a region, the switch II domain, of HRAS that is defined as a region critical for binding regulator and effector proteins (Vetter IR et al., PMID: 11701921). This variant is predicted to cause a change in the length of the protein due to an in-frame insertion of 9 amino acids in a non-repeat region. Functional studies performed on insertion/deletion variants in the HRAS switch II domain have demonstrated that these variants lead to increased RAS signaling (Eijkelenboom A et al., PMID: 31160609). Based on available information and an internally developed protocol informed by the ACMG/AMP guidelines for variant interpretation and gene-specific practices from the ClinGen Criteria Specification Registry (Leon-Quintero FZ et al., PMID: 39434542), the HRAS c.216_217insAA CAGCGCCATGCGGGACCAGTACATG (p.Met72_Arg73insAsnSerAlaMetArgAspGlnTyrMet) variant is classified as likely pathogenic.

NM_005343.4(HRAS):c.216_217insAACAGCGCCATGCGGGACCAGTACATG (p.Met72_Arg73insAsnSerAlaMetArgAspGlnTyrMet)

Genes: HRAS (HRas proto-oncogene, GTPase; minus strand), LRRC56 (leucine rich repeat containing 56; plus strand). Cytogenetic location: 11p15.5.
Variant type: Insertion.
Coding change: c.216_217insAACAGCGCCATGCGGGACCAGTACATG on transcript NM_005343.4 (MANE Select); coding-DNA positions 216 to 217, AACAGCGCCATGCGGGACCAGTACATG inserted.
Protein change: p.Met72_Arg73insAsnSerAlaMetArgAspGlnTyrMet.
Molecular consequence: 5 prime UTR variant (on NM_001318054.2).
Genome position: GRCh38 VCF-style: chr11-533839-G-GCATGTACTGGTCCCGCATGGCGCTGTT. GRCh37 (hg19) VCF-style: chr11-533839-G-GCATGTACTGGTCCCGCATGGCGCTGTT.
Other names: c.216_217insAACAGCGCCATGCGGGACCAGTACATG, p.Met72_Arg73insAsnSerAlaMetArgAspGlnTyrMet (NM_176795.5, NM_001130442.3); c.-104_-103insAACAGCGCCATGCGGGACCAGTACATG (NM_001318054.2).
Identifiers: ClinVar variation 3774498 (VCV003774498.1).